The following is an entry in ClinVar:

NM_000093.5(COL5A1):c.1052C>T (p.Pro351Leu)

Gene: COL5A1 (collagen type V alpha 1 chain; plus strand). Cytogenetic location: 9q34.3.
Variant type: single nucleotide variant.
Coding change: c.1052C>T on transcript NM_000093.5 (MANE Select); coding-DNA position 1052, C replaced by T.
Protein change: p.Pro351Leu; replaces proline 351 with leucine.
Molecular consequence: missense variant.
Genome position (GRCh38, 1-based): chr9:134,730,363, C>T. VCF-style: chr9-134730363-C-T. GRCh37 (hg19) VCF-style: chr9-137622209-C-T.
Other names: c.1052C>T, p.Pro351Leu (NM_001278074.1); c.1052C>T (NM_000093.4, NM_000093.3); short protein forms P351L.
Identifiers: ClinVar variation 1515315 (VCV001515315.11), dbSNP rs887190843, ClinGen allele CA201108171.
Genomic context (GRCh38, chr9:134,730,363, plus strand): 5'-AGGACGTCGGCATCGGGGACTATGACTACGTGCCCAGTGAGGACTACTACACGCCCTCAC[C>T]GTATGATGACCTCACCTATGGCGAGGGGGAGGAGAACCCCGACCAGCCCACAGACCCAGG-3'
Protein context (NP_000084.3, residues 341-361): VPSEDYYTPS[Pro351Leu]YDDLTYGEGE

ClinVar aggregate classification (germline): Conflicting classifications of pathogenicity. Review status: criteria provided, conflicting classifications (1 of 4 stars). 3 submissions from 3 submitters: Uncertain significance (2); Benign (1). Last evaluated 2025-08-17.

Conditions:
Ehlers-Danlos syndrome, classic type, 1 (EDSCL1). Also called: EHLERS-DANLOS SYNDROME, GRAVIS TYPE; EHLERS-DANLOS SYNDROME, SEVERE CLASSIC TYPE; Ehlers-Danlos syndrome, type 1; Ehlers-Danlos Syndrome, Classic Type, COL5A1-Related; EDS I. Identifiers: MedGen C0268335, MONDO:0019567, OMIM 130000.
Familial thoracic aortic aneurysm and aortic dissection (TAAD). Also called: Thoracic aortic aneurysms and dissections. Identifiers: Orphanet 91387, MedGen C4707243, MONDO:0019625.
COL5A1-related disorder. Also called: COL5A1-related condition.

Submissions (3):

Labcorp Genetics (formerly Invitae), Labcorp
Classification: Benign for Ehlers-Danlos syndrome, classic type, 1. Last evaluated: 2025-08-17. Review status: criteria provided, single submitter. Criteria: Invitae Variant Classification Sherloc (09022015). Collection method: clinical testing. Allele origin: germline.

Ambry Genetics
Classification: Uncertain significance for Familial thoracic aortic aneurysm and aortic dissection. Last evaluated: 2023-08-14. Review status: criteria provided, single submitter. Criteria: Ambry Variant Classification Scheme 2023. Collection method: clinical testing. Allele origin: germline.
Comment: The p.P351L variant (also known as c.1052C>T), located in coding exon 7 of the COL5A1 gene, results from a C to T substitution at nucleotide position 1052. The proline at codon 351 is replaced by leucine, an amino acid with similar properties. This amino acid position is highly conserved in available vertebrate species. In addition, the in silico prediction for this alteration is inconclusive. Since supporting evidence is limited at this time, the clinical significance of this alteration remains unclear.

PreventionGenetics, part of Exact Sciences
Classification: Uncertain significance for COL5A1-related condition. Last evaluated: 2023-08-01. Review status: criteria provided, single submitter. Criteria: ACMG Guidelines, 2015. Collection method: clinical testing. Allele origin: germline.
Comment: The COL5A1 c.1052C>T variant is predicted to result in the amino acid substitution p.Pro351Leu. This variant was reported in an individual with atrioventricular nodal reentry tachycardia (Table S9, Luo et al. 2020. PubMed ID: 32508047). This variant is reported in 0.015% of alleles in individuals of East Asian descent in gnomAD. At this time, the clinical significance of this variant is uncertain due to the absence of conclusive functional and genetic evidence.